The following is an entry in ClinVar:

NM_001271.4(CHD2):c.2165C>A (p.Ser722Ter)

Gene: CHD2 (chromodomain helicase DNA binding protein 2; plus strand). Cytogenetic location: 15q26.1.
Variant type: single nucleotide variant.
Coding change: c.2165C>A on transcript NM_001271.4 (MANE Select); coding-DNA position 2165, C replaced by A.
Protein change: p.Ser722Ter; replaces serine 722 with a stop codon.
Molecular consequence: nonsense.
Genome position (GRCh38, 1-based): chr15:92,967,489, C>A. VCF-style: chr15-92967489-C-A. GRCh37 (hg19) VCF-style: chr15-93510719-C-A.
Other names: short protein forms S722*.
Identifiers: ClinVar variation 3382775 (VCV003382775.2).

ClinVar aggregate classification (germline): Pathogenic (1 of 4 stars; one submission).

Conditions:
Developmental and epileptic encephalopathy 94 (DEE94). Also called: CHD2-Related Neurodevelopmental Disorders; Epileptic encephalopathy, childhood-onset. Identifiers: Orphanet 1942, Orphanet 2382, MedGen C3809278, MONDO:0014150, OMIM 615369.

Submission:

Juno Genomics, Hangzhou Juno Genomics, Inc
Classification: Pathogenic for Developmental and epileptic encephalopathy 94. Review status: criteria provided, single submitter. Criteria: ACMG Guidelines, 2015. Collection method: clinical testing. Allele origin: germline. Affected: yes.
Comment: Absent from controls (or at extremely low frequency if recessive) in Genome Aggregation Database, Exome Sequencing Project, 1000 Genomes Project, or Exome Aggregation Consortium.;De novo (both maternity and paternity confirmed) in a patient with the disease and no family history.;Null variant in a gene where loss of function (LOF) is a known mechanism of disease.